The following is an entry in ClinVar:

ClinVar aggregate classification (germline): Uncertain significance (1 of 4 stars; one submission).

Submission:

Ambry Genetics
Classification: Uncertain significance. Last evaluated: 2026-08-27. Review status: criteria provided, single submitter. Criteria: Ambry Variant Classification Scheme 2023. Collection method: clinical testing. Allele origin: germline.
Comment: The p.Q15K variant (also known as c.43C>A), located in coding exon 1 of the GEN1 gene, results from a C to A substitution at nucleotide position 43. The glutamine at codon 15 is replaced by lysine, an amino acid with similar properties. This amino acid position is conserved. In addition, this alteration is predicted to be tolerated by in silico analysis. Based on the available evidence, the clinical significance of this variant remains unclear.

NM_001130009.3(GEN1):c.43C>A (p.Gln15Lys)

Gene: GEN1 (GEN1 structure-specific endonuclease; plus strand). Cytogenetic location: 2p24.2.
Variant type: single nucleotide variant.
Coding change: c.43C>A on transcript NM_001130009.3 (MANE Select); coding-DNA position 43, C replaced by A.
Protein change: p.Gln15Lys; replaces glutamine 15 with lysine.
Molecular consequence: missense variant.
Genome position (GRCh38, 1-based): chr2:17,759,986, C>A. VCF-style: chr2-17759986-C-A. GRCh37 (hg19) VCF-style: chr2-17941253-C-A.
Other names: c.43C>A, p.Gln15Lys (NM_182625.5); short protein forms Q15K.
Identifiers: ClinVar variation 5022344 (VCV005022344.1).